The following is an entry in ClinVar:

NM_013266.4(CTNNA3):c.1880T>A (p.Ile627Asn)

Gene: CTNNA3 (catenin alpha 3; minus strand). Cytogenetic location: 10q21.3.
Variant type: single nucleotide variant.
Coding change: c.1880T>A on transcript NM_013266.4 (MANE Select); coding-DNA position 1880, T replaced by A.
Protein change: p.Ile627Asn; replaces isoleucine 627 with asparagine.
Molecular consequence: missense variant.
Genome position (GRCh38, 1-based): chr10:66,280,474, A>T on the plus strand (T>A on the coding strand, the complement: CTNNA3 is on the minus strand). VCF-style: chr10-66280474-A-T. GRCh37 (hg19) VCF-style: chr10-68040232-A-T.
Other names: c.1880T>A, p.Ile627Asn (NM_001127384.3); c.1880T>A (NM_013266.2); short protein forms I627N.
Identifiers: ClinVar variation 1024515 (VCV001024515.7), dbSNP rs755658279, ClinGen allele CA5519792.
Genomic context (GRCh38, chr10:66,280,474, plus strand): 5'-CATTCCAGATGGTGAAGAACATTGCAATAATTCAATGGAAGGAAAAGCAAACTTACCCGA[A>T]TCATCATGACTGAACATCTGATATCATGAATTGTATCATAGATCTTCTTTGAGATGTCCA-3'
Protein context (NP_037398.2, residues 617-637): IHDIRCSVMM[Ile627Asn]RTPEELEDVS

ClinVar aggregate classification (germline): Uncertain significance. Review status: criteria provided, multiple submitters, no conflicts (2 of 4 stars). 2 submissions from 2 submitters: Uncertain significance (2). Last evaluated 2026-07-01.

Conditions:
Arrhythmogenic right ventricular dysplasia 13. Also called: ARRHYTHMOGENIC RIGHT VENTRICULAR CARDIOMYOPATHY 13; Arrhythmogenic right ventricular dysplasia, familial, 13. Identifiers: MedGen C3810138, MONDO:0000908, OMIM 615616.

Allele frequency attached by ClinVar (database versions not stated): gnomAD exomes below 0.00001; gnomAD 0.00002; TOPMed 0.00002.
gnomAD v4.1: 7 of 1,603,070 alleles (0.00044%); highest among the groups gnomAD compares: Admixed American, 0.01%; no homozygotes.

Submissions (2):

Ambry Genetics
Classification: Uncertain significance. Last evaluated: 2026-07-01. Review status: criteria provided, single submitter. Criteria: Ambry Variant Classification Scheme 2023. Collection method: clinical testing. Allele origin: germline.
Comment: The p.I627N variant (also known as c.1880T>A), located in coding exon 12 of the CTNNA3 gene, results from a T to A substitution at nucleotide position 1880. The isoleucine at codon 627 is replaced by asparagine, an amino acid with dissimilar properties. This amino acid position is conserved. In addition, the in silico prediction for this alteration is inconclusive. Based on the available evidence, the clinical significance of this variant remains unclear.

Labcorp Genetics (formerly Invitae), Labcorp
Classification: Uncertain significance for Arrhythmogenic right ventricular dysplasia 13. Last evaluated: 2021-10-18. Review status: criteria provided, single submitter. Criteria: Invitae Variant Classification Sherloc (09022015). Collection method: clinical testing. Allele origin: germline.
Comment: In summary, the available evidence is currently insufficient to determine the role of this variant in disease. Therefore, it has been classified as a Variant of Uncertain Significance. Algorithms developed to predict the effect of missense changes on protein structure and function are either unavailable or do not agree on the potential impact of this missense change (SIFT: "Tolerated"; PolyPhen-2: "Not Available"; Align-GVGD: "Class C0"). This variant has not been reported in the literature in individuals affected with CTNNA3-related conditions. This variant is present in population databases (rs755658279, ExAC 0.009%). This sequence change replaces isoleucine with asparagine at codon 627 of the CTNNA3 protein (p.Ile627Asn). The isoleucine residue is moderately conserved and there is a large physicochemical difference between isoleucine and asparagine.